The following is an entry in ClinVar:

NM_001267550.2(TTN):c.21777T>A (p.Ile7259=)

Gene: TTN (titin; minus strand). Cytogenetic location: 2q31.2.
Variant type: single nucleotide variant.
Coding change: c.21777T>A on transcript NM_001267550.2 (MANE Select); coding-DNA position 21777, T replaced by A.
Protein change: p.Ile7259=; no amino-acid change (isoleucine 7259 retained).
Molecular consequence: synonymous variant. On other transcripts: intron variant (3).
Genome position (GRCh38, 1-based): chr2:178,723,230, A>T on the plus strand (T>A on the coding strand, the complement: TTN is on the minus strand). VCF-style: chr2-178723230-A-T. GRCh37 (hg19) VCF-style: chr2-179587957-A-T.
Other names: c.20826T>A, p.Ile6942= (NM_001256850.1); c.18045T>A, p.Ile6015= (NM_133378.4); c.13282+14852T>A (NM_003319.4); c.13858+14852T>A (NM_133437.4); c.13657+14852T>A (NM_133432.3).
Identifiers: ClinVar variation 179917 (VCV000179917.15), dbSNP rs727505220, ClinGen allele CA185425.
Genomic context (GRCh38, chr2:178,723,230, plus strand): 5'-GACTATGTTACATTTTTCAGAGGTAGTTATGTTAAAACCATCCTTTTTCCAAGTGACAGA[A>T]ATTGGAAGTGTTCCAGTGTAGGTGCTCTCCAGAATTATGGACTTCCCTGGTTCTACAGAA-3'
Protein context (NP_001254479.2, residues 7249-7269): LESTYTGTLP[Ile7259=]SVTWKKDGFN

ClinVar aggregate classification (germline): Likely benign. Review status: criteria provided, multiple submitters, no conflicts (2 of 4 stars). 3 submissions from 3 submitters: Likely benign (3). Last evaluated 2026-01-12.

Conditions:
Dilated cardiomyopathy 1G (CMD1G). Identifiers: Orphanet 154, MedGen C1858763, MONDO:0011400, OMIM 604145.
Autosomal recessive limb-girdle muscular dystrophy type 2J (LGMDR10). Also called: Limb-girdle muscular dystrophy, type 2J; MUSCULAR DYSTROPHY, LIMB-GIRDLE, AUTOSOMAL RECESSIVE 10. Identifiers: Orphanet 140922, MedGen C1837342, MONDO:0012127, OMIM 608807.

Allele frequency attached by ClinVar (database versions not stated): TOPMed 0.00001; gnomAD 0.00003 and 0.00004.
gnomAD v4.1: 23 of 1,613,482 alleles (0.0014%); highest among the groups gnomAD compares: African/African-American, 0.0053%; no homozygotes.

Submissions (3):

Labcorp Genetics (formerly Invitae), Labcorp
Classification: Likely benign for Dilated cardiomyopathy 1G; Autosomal recessive limb-girdle muscular dystrophy type 2J. Last evaluated: 2026-01-12. Review status: criteria provided, single submitter. Criteria: Invitae Variant Classification Sherloc (09022015). Collection method: clinical testing. Allele origin: germline.

GeneDx
Classification: Likely benign. Last evaluated: 2020-03-16. Review status: criteria provided, single submitter. Criteria: GeneDx Variant Classification Process June 2021. Collection method: clinical testing. Allele origin: germline. Affected: yes.

Laboratory for Molecular Medicine, Mass General Brigham Personalized Medicine
Classification: Likely benign. Last evaluated: 2014-08-11. Review status: criteria provided, single submitter. Criteria: LMM Criteria. Collection method: clinical testing. Allele origin: germline. Observed: 1 variant allele.
Comment: Ile6015Ile in exon 72 of TTN: This variant is not expected to have clinical sign ificance because it does not alter an amino acid residue and is not located with in the splice consensus sequence.